The following is an entry in ClinVar:

NM_003183.6(ADAM17):c.193C>T (p.His65Tyr)

Gene: ADAM17 (ADAM metallopeptidase domain 17; minus strand). Cytogenetic location: 2p25.1.
Variant type: single nucleotide variant.
Coding change: c.193C>T on transcript NM_003183.6 (MANE Select); coding-DNA position 193, C replaced by T.
Protein change: p.His65Tyr; replaces histidine 65 with tyrosine.
Molecular consequence: missense variant. On other transcripts: 5 prime UTR variant (2).
Genome position (GRCh38, 1-based): chr2:9,543,190, G>A on the plus strand (C>T on the coding strand, the complement: ADAM17 is on the minus strand). VCF-style: chr2-9543190-G-A. GRCh37 (hg19) VCF-style: chr2-9683319-G-A.
Other names: c.-488C>T (NM_001382777.1); c.-730C>T (NM_001382778.1); short protein forms H65Y.
Identifiers: ClinVar variation 1422356 (VCV001422356.3), dbSNP rs1292921269, ClinGen allele CA345787898.

ClinVar aggregate classification (germline): Uncertain significance (1 of 4 stars; one submission).

Conditions:
Inflammatory skin and bowel disease, neonatal, 1. Identifiers: Orphanet 294023, MedGen C3280501, MONDO:0013693, OMIM 614328.

Allele frequency attached by ClinVar (database versions not stated): gnomAD exomes below 0.00001.
gnomAD v4.1: 2 of 1,607,448 alleles (0.00012%); highest among the groups gnomAD compares: Non-Finnish European, 0.00017%; no homozygotes.

Submission:

Labcorp Genetics (formerly Invitae), Labcorp
Classification: Uncertain significance for Inflammatory skin and bowel disease, neonatal, 1. Last evaluated: 2022-09-13. Review status: criteria provided, single submitter. Criteria: Invitae Variant Classification Sherloc (09022015). Collection method: clinical testing. Allele origin: germline.
Comment: This sequence change replaces histidine, which is basic and polar, with tyrosine, which is neutral and polar, at codon 65 of the ADAM17 protein (p.His65Tyr). This variant is not present in population databases (gnomAD no frequency). This variant has not been reported in the literature in individuals affected with ADAM17-related conditions. ClinVar contains an entry for this variant (Variation ID: 1422356). Algorithms developed to predict the effect of missense changes on protein structure and function are either unavailable or do not agree on the potential impact of this missense change (SIFT: "Not Available"; PolyPhen-2: "Benign"; Align-GVGD: "Not Available"). In summary, the available evidence is currently insufficient to determine the role of this variant in disease. Therefore, it has been classified as a Variant of Uncertain Significance.